The following is an entry in ClinVar:

ClinVar aggregate classification (germline): Uncertain significance. Review status: criteria provided, multiple submitters, no conflicts (2 of 4 stars). 5 submissions from 5 submitters: Uncertain significance (5). Last evaluated 2024-10-07.

Conditions:
Cranioectodermal dysplasia 1 (CED1). Also called: LEVIN SYNDROME I. Identifiers: Orphanet 1515, MedGen C0432235, MONDO:0021093, OMIM 218330.
Inborn genetic diseases. Identifiers: MedGen C0950123, MeSH D030342.

Allele frequency attached by ClinVar (database versions not stated): ExAC 0.00003; gnomAD exomes 0.00003 and 0.00004; gnomAD 0.00007 and 0.00008; TOPMed 0.00012; ESP Exome Variant Server 0.00015.
gnomAD v4.1: 67 of 1,613,940 alleles (0.0042%); highest among the groups gnomAD compares: Middle Eastern, 0.033%; no homozygotes.

Submissions (5):

Labcorp Genetics (formerly Invitae), Labcorp
Classification: Uncertain significance for Cranioectodermal dysplasia 1. Last evaluated: 2024-10-07. Review status: criteria provided, single submitter. Criteria: Invitae Variant Classification Sherloc (09022015). Collection method: clinical testing. Allele origin: germline.
Comment: This sequence change replaces proline, which is neutral and non-polar, with leucine, which is neutral and non-polar, at codon 918 of the IFT122 protein (p.Pro918Leu). This variant is present in population databases (rs147499719, gnomAD 0.006%). This variant has not been reported in the literature in individuals affected with IFT122-related conditions. ClinVar contains an entry for this variant (Variation ID: 343256). Invitae Evidence Modeling of protein sequence and biophysical properties (such as structural, functional, and spatial information, amino acid conservation, physicochemical variation, residue mobility, and thermodynamic stability) indicates that this missense variant is expected to disrupt IFT122 protein function with a positive predictive value of 80%. In summary, the available evidence is currently insufficient to determine the role of this variant in disease. Therefore, it has been classified as a Variant of Uncertain Significance.

Blueprint Genetics
Classification: Uncertain significance. Last evaluated: 2024-08-22. Review status: criteria provided, single submitter. Criteria: ACMG Guidelines, 2015. Collection method: clinical testing. Allele origin: germline.

Fulgent Genetics
Classification: Uncertain significance for Cranioectodermal dysplasia 1. Last evaluated: 2024-06-20. Review status: criteria provided, single submitter. Criteria: ACMG Guidelines, 2015. Collection method: clinical testing. Allele origin: germline.

Ambry Genetics
Classification: Uncertain significance for Inborn genetic diseases. Last evaluated: 2024-03-25. Review status: criteria provided, single submitter. Criteria: Ambry Variant Classification Scheme 2023. Collection method: clinical testing. Allele origin: germline.

Illumina Laboratory Services, Illumina
Classification: Uncertain significance for Cranioectodermal dysplasia 1. Last evaluated: 2018-01-13. Review status: criteria provided, single submitter. Criteria: ICSL Variant Classification Criteria 13 December 2019. Collection method: clinical testing. Allele origin: germline.

NM_052989.3(IFT122):c.2600C>T (p.Pro867Leu)

Gene: IFT122 (intraflagellar transport 122; plus strand). Cytogenetic location: 3q22.1.
Variant type: single nucleotide variant.
Coding change: c.2600C>T on transcript NM_052989.3 (MANE Select); coding-DNA position 2600, C replaced by T.
Protein change: p.Pro867Leu; replaces proline 867 with leucine.
Molecular consequence: missense variant.
Genome position (GRCh38, 1-based): chr3:129,504,371, C>T. VCF-style: chr3-129504371-C-T. GRCh37 (hg19) VCF-style: chr3-129223214-C-T.
Other names: c.2753C>T (NM_052985.2); c.2576C>T, p.Pro859Leu (NM_001280541.2); c.2150C>T, p.Pro717Leu (NM_001280545.2); c.1973C>T, p.Pro658Leu (NM_001280546.2); c.2423C>T, p.Pro808Leu (NM_018262.4); c.2753C>T, p.Pro918Leu (NM_052985.4); c.2267C>T, p.Pro756Leu (NM_052990.3); short protein forms P918L, P808L, P859L, P658L, P867L, P717L, P756L.
Identifiers: ClinVar variation 343256 (VCV000343256.13), dbSNP rs147499719, ClinGen allele CA2606580.